The following is an entry in ClinVar:

ClinVar aggregate classification (germline): Likely pathogenic (1 of 4 stars; one submission).

Submission:

GeneDx
Classification: Likely pathogenic. Last evaluated: 2024-05-09. Review status: criteria provided, single submitter. Criteria: GeneDx Variant Classification Process June 2021. Collection method: clinical testing. Allele origin: germline. Affected: yes.
Comment: Not observed at significant frequency in large population cohorts (gnomAD); In silico analysis supports that this missense variant has a deleterious effect on protein structure/function; This variant is associated with the following publications: (PMID: 33729000, 38461165, 31769566, 33294969)

NM_001615.4(ACTG2):c.427C>T (p.Leu143Phe)

Gene: ACTG2 (actin gamma 2, smooth muscle; plus strand). Cytogenetic location: 2p13.1.
Variant type: single nucleotide variant.
Coding change: c.427C>T on transcript NM_001615.4 (MANE Select); coding-DNA position 427, C replaced by T.
Protein change: p.Leu143Phe; replaces leucine 143 with phenylalanine.
Molecular consequence: missense variant.
Genome position (GRCh38, 1-based): chr2:73,909,115, C>T. VCF-style: chr2-73909115-C-T. GRCh37 (hg19) VCF-style: chr2-74136242-C-T.
Other names: c.298C>T, p.Leu100Phe (NM_001199893.2); short protein forms L100F, L143F.
Identifiers: ClinVar variation 3375767 (VCV003375767.1).